The following is an entry in ClinVar:

ClinVar aggregate classification (germline): Uncertain significance (1 of 4 stars; one submission).

Conditions:
Combined oxidative phosphorylation deficiency 19 (COXPD19). Identifiers: Orphanet 397593, MedGen C3810055, MONDO:0014269, OMIM 615595.

Allele frequency attached by ClinVar (database versions not stated): gnomAD exomes 0.00001 and 0.00002; ExAC 0.00002.
gnomAD v4.1: 10 of 1,614,146 alleles (0.00062%); highest among the groups gnomAD compares: South Asian, 0.011%; no homozygotes.

Submission:

Baylor Genetics
Classification: Uncertain significance for Combined oxidative phosphorylation deficiency 19. Last evaluated: 2019-06-19. Review status: criteria provided, single submitter. Criteria: ACMG Guidelines, 2015. Collection method: clinical testing. Allele origin: unknown. Affected: yes.
Comment: This variant was determined to be of uncertain significance according to ACMG Guidelines, 2015 [PMID:25741868].

NM_020408.6(LYRM4):c.172A>G (p.Lys58Glu)

Genes: LYRM4 (LYR motif containing 4; minus strand), LYRM4-AS1 (LYRM4 antisense RNA 1; plus strand). Cytogenetic location: 6p25.1.
Variant type: single nucleotide variant.
Coding change: c.172A>G on transcript NM_020408.6 (MANE Select); coding-DNA position 172, A replaced by G.
Protein change: p.Lys58Glu; replaces lysine 58 with glutamic acid.
Molecular consequence: missense variant. On other transcripts: non-coding transcript variant (2).
Genome position (GRCh38, 1-based): chr6:5,216,653, T>C on the plus strand (A>G on the coding strand, the complement: LYRM4 is on the minus strand). VCF-style: chr6-5216653-T-C. GRCh37 (hg19) VCF-style: chr6-5216886-T-C.
Other names: c.172A>G, p.Lys58Glu (NM_001164840.3, NM_001164841.3, NM_001318782.1 and 1 more transcripts); short protein forms K58E.
Identifiers: ClinVar variation 1028165 (VCV001028165.1), dbSNP rs759132658, ClinGen allele CA3623502.